The following is an entry in ClinVar:

ClinVar aggregate classification (germline): Likely pathogenic (1 of 4 stars; one submission).

Conditions:
X-linked Alport syndrome (ATS1). Also called: COL4A5-Related Nephropathy; NEPHROPATHY AND DEAFNESS, X-LINKED. Identifiers: Orphanet 63, Orphanet 88917, MedGen C4746986, MONDO:0010520, OMIM 301050.

Submission:

Myriad Genetics, Inc.
Classification: Likely pathogenic for X-linked Alport syndrome. Last evaluated: 2022-03-10. Review status: criteria provided, single submitter. Criteria: Myriad Women's Health Autosomal Recessive and X-Linked Classification Criteria (2021). Collection method: clinical testing. Allele origin: unknown.
Comment: NM_000495.4(COL4A5):c.4744C>T(Q1582*) is expected to be pathogenic in the context of X-linked Alport syndrome. This variant is predicted to lead to an abnormal or absent protein product due to the creation of a premature termination codon in COL4A5, a gene where loss-of-function variants are known to be pathogenic. Please note: this variant was assessed in the context of healthy population screening.

NM_033380.3(COL4A5):c.4762C>T (p.Gln1588Ter)

Gene: COL4A5 (collagen type IV alpha 5 chain; plus strand). Cytogenetic location: Xq22.3.
Variant type: single nucleotide variant.
Coding change: c.4762C>T on transcript NM_033380.3 (MANE Select); coding-DNA position 4762, C replaced by T.
Protein change: p.Gln1588Ter; replaces glutamine 1588 with a stop codon.
Molecular consequence: nonsense.
Genome position (GRCh38, 1-based): chrX:108,694,862, C>T. VCF-style: chrX-108694862-C-T. GRCh37 (hg19) VCF-style: chrX-107938092-C-T.
Other names: c.4744C>T, p.Gln1582Ter (NM_000495.5); short protein forms Q1582*, Q1588*.
Identifiers: ClinVar variation 1725154 (VCV001725154.2), dbSNP rs2524652195, ClinGen allele CA414132495.